The following is an entry in ClinVar:

NM_001267550.2(TTN):c.31678+1G>A

Gene: TTN (titin; minus strand). Cytogenetic location: 2q31.2.
Variant type: single nucleotide variant.
Coding change: c.31678+1G>A on transcript NM_001267550.2 (MANE Select); the canonical splice donor site of the intron after coding-DNA position 31678, G replaced by A.
Molecular consequence: splice donor variant. On other transcripts: intron variant (3).
Genome position (GRCh38, 1-based): chr2:178,692,496, C>T on the plus strand (G>A on the coding strand, the complement: TTN is on the minus strand). VCF-style: chr2-178692496-C-T. GRCh37 (hg19) VCF-style: chr2-179557223-C-T.
Other names: c.13282+45586G>A (NM_003319.4); c.13858+45586G>A (NM_133437.4); c.13657+45586G>A (NM_133432.3); c.27946+1G>A (NM_133378.4); c.30727+1G>A (NM_001256850.1).
Identifiers: ClinVar variation 4823473 (VCV004823473.4).

ClinVar aggregate classification (germline): Uncertain significance (1 of 4 stars; one submission).

gnomAD v4.1: 1 of 1,572,224 alleles (0.000064%); highest among the groups gnomAD compares: Non-Finnish European, 0.000086%; no homozygotes.

Submission:

CeGaT Center for Human Genetics Tuebingen
Classification: Uncertain significance. Last evaluated: 2026-02-01. Review status: criteria provided, single submitter. Criteria: CeGaT Center For Human Genetics Tuebingen Variant Classification Criteria Version 2. Collection method: clinical testing. Allele origin: germline. Affected: yes. Observed: 1 variant allele.
Comment: TTN: PM2, PVS1:Supporting